The following is an entry in ClinVar:

ClinVar aggregate classification (germline): Likely benign (1 of 4 stars; one submission).

Allele frequency attached by ClinVar (database versions not stated): gnomAD 0.00001; gnomAD exomes 0.00001; TOPMed 0.00001; ExAC 0.00002.
gnomAD v4.1: 14 of 1,208,640 alleles (0.0012%); highest among the groups gnomAD compares: Middle Eastern, 0.023%; no homozygotes.

Submission:

CeGaT Center for Human Genetics Tuebingen
Classification: Likely benign. Last evaluated: 2022-11-01. Review status: criteria provided, single submitter. Criteria: CeGaT Center For Human Genetics Tuebingen Variant Classification Criteria Version 2. Collection method: clinical testing. Allele origin: germline. Affected: yes. Observed: 1 variant allele.
Comment: NHSL2: BP4, BP7

NM_001013627.3(NHSL2):c.2646A>C (p.Pro882=)

Gene: NHSL2 (NHS like 2; plus strand). Cytogenetic location: Xq13.1.
Variant type: single nucleotide variant.
Coding change: c.2646A>C on transcript NM_001013627.3 (MANE Select); coding-DNA position 2646, A replaced by C.
Protein change: p.Pro882=; no amino-acid change (proline 882 retained).
Molecular consequence: synonymous variant.
Genome position (GRCh38, 1-based): chrX:72,140,194, A>C. VCF-style: chrX-72140194-A-C. GRCh37 (hg19) VCF-style: chrX-71360044-A-C.
Identifiers: ClinVar variation 2660901 (VCV002660901.24), dbSNP rs759656207, ClinGen allele CA10449089.